The following is an entry in ClinVar:

ClinVar aggregate classification (germline): Uncertain significance (1 of 4 stars; one submission).

Conditions:
Werner syndrome (WRN). Identifiers: Orphanet 902, MedGen C0043119, MONDO:0010196, OMIM 277700.

Allele frequency attached by ClinVar (database versions not stated): TOPMed below 0.00001; gnomAD 0.00001; ExAC 0.00002; ESP Exome Variant Server 0.00008.
gnomAD v4.1: 10 of 1,613,014 alleles (0.00062%); highest among the groups gnomAD compares: South Asian, 0.0011%; no homozygotes.

Submission:

Labcorp Genetics (formerly Invitae), Labcorp
Classification: Uncertain significance for Werner syndrome. Last evaluated: 2024-04-29. Review status: criteria provided, single submitter. Criteria: Invitae Variant Classification Sherloc (09022015). Collection method: clinical testing. Allele origin: germline.
Comment: This sequence change replaces aspartic acid, which is acidic and polar, with valine, which is neutral and non-polar, at codon 456 of the WRN protein (p.Asp456Val). This variant is present in population databases (rs368120966, gnomAD 0.004%). This variant has not been reported in the literature in individuals affected with WRN-related conditions. ClinVar contains an entry for this variant (Variation ID: 655987). An algorithm developed to predict the effect of missense changes on protein structure and function (PolyPhen-2) suggests that this variant is likely to be tolerated. In summary, the available evidence is currently insufficient to determine the role of this variant in disease. Therefore, it has been classified as a Variant of Uncertain Significance.

NM_000553.6(WRN):c.1367A>T (p.Asp456Val)

Gene: WRN (WRN RecQ like helicase; plus strand). Cytogenetic location: 8p12.
Variant type: single nucleotide variant.
Coding change: c.1367A>T on transcript NM_000553.6 (MANE Select); coding-DNA position 1367, A replaced by T.
Protein change: p.Asp456Val; replaces aspartic acid 456 with valine.
Molecular consequence: missense variant.
Genome position (GRCh38, 1-based): chr8:31,085,182, A>T. VCF-style: chr8-31085182-A-T. GRCh37 (hg19) VCF-style: chr8-30942698-A-T.
Other names: short protein forms D456V.
Identifiers: ClinVar variation 655987 (VCV000655987.7), dbSNP rs368120966, ClinGen allele CA4704339.